The following is an entry in ClinVar:

NM_005876.5(SPEG):c.8598C>A (p.His2866Gln)

Genes: ASIC4-AS1 (ASIC4 antisense RNA 1; minus strand), SPEG (striated muscle enriched protein kinase; plus strand). Cytogenetic location: 2q35.
Variant type: single nucleotide variant.
Coding change: c.8598C>A on transcript NM_005876.5 (MANE Select); coding-DNA position 8598, C replaced by A.
Protein change: p.His2866Gln; replaces histidine 2866 with glutamine.
Molecular consequence: missense variant.
Genome position (GRCh38, 1-based): chr2:219,489,616, C>A. VCF-style: chr2-219489616-C-A. GRCh37 (hg19) VCF-style: chr2-220354338-C-A.
Other names: c.8598C>A (NM_005876.4); short protein forms H2866Q.
Identifiers: ClinVar variation 2067680 (VCV002067680.24), dbSNP rs200305444, ClinGen allele CA2127528.
Genomic context (GRCh38, chr2:219,489,616, plus strand): 5'-ACGAAGACACAGGGGCCTGCAGGCTGCCCGGCCAGCGGAGCCCACCCTACCCAGTACCCA[C>A]GTCACCCCAAGTGAGCCCAAGCCTTTCGTCCTTGACACTGGGACCCCGATCCCAGCCTCC-3'
Protein context (NP_005867.3, residues 2856-2876): RPAEPTLPST[His2866Gln]VTPSEPKPFV

ClinVar aggregate classification (germline): Conflicting classifications of pathogenicity. Review status: criteria provided, conflicting classifications (1 of 4 stars). 3 submissions from 3 submitters: Uncertain significance (1); Likely benign (2). Last evaluated 2024-07-05.

Conditions:
Inborn genetic diseases. Identifiers: MedGen C0950123, MeSH D030342.

gnomAD v4.1: 101 of 1,613,722 alleles (0.0063%); highest among the groups gnomAD compares: Admixed American, 0.01%; no homozygotes.

Submissions (3):

Ambry Genetics
Classification: Likely benign for Inborn genetic diseases. Last evaluated: 2024-07-05. Review status: criteria provided, single submitter. Criteria: Ambry Variant Classification Scheme 2023. Collection method: clinical testing. Allele origin: germline.

CeGaT Center for Human Genetics Tuebingen
Classification: Likely benign. Last evaluated: 2023-12-01. Review status: criteria provided, single submitter. Criteria: CeGaT Center For Human Genetics Tuebingen Variant Classification Criteria Version 2. Collection method: clinical testing. Allele origin: germline. Affected: yes. Observed: 1 variant allele.
Comment: SPEG: BP4

Labcorp Genetics (formerly Invitae), Labcorp
Classification: Uncertain significance. Last evaluated: 2022-07-09. Review status: criteria provided, single submitter. Criteria: Invitae Variant Classification Sherloc (09022015). Collection method: clinical testing. Allele origin: germline.
Comment: This sequence change replaces histidine, which is basic and polar, with glutamine, which is neutral and polar, at codon 2866 of the SPEG protein (p.His2866Gln). This variant is present in population databases (rs200305444, gnomAD 0.02%). This variant has not been reported in the literature in individuals affected with SPEG-related conditions. Algorithms developed to predict the effect of missense changes on protein structure and function output the following: SIFT: "Tolerated"; PolyPhen-2: "Benign"; Align-GVGD: "Class C0". The glutamine amino acid residue is found in multiple mammalian species, which suggests that this missense change does not adversely affect protein function. In summary, the available evidence is currently insufficient to determine the role of this variant in disease. Therefore, it has been classified as a Variant of Uncertain Significance.